The following is an entry in ClinVar:

NM_000143.4(FH):c.1512G>T (p.Lys504Asn)

Gene: FH (fumarate hydratase; minus strand). Cytogenetic location: 1q43.
Variant type: single nucleotide variant.
Coding change: c.1512G>T on transcript NM_000143.4 (MANE Select); coding-DNA position 1512, G replaced by T.
Protein change: p.Lys504Asn; replaces lysine 504 with asparagine.
Molecular consequence: missense variant.
Genome position (GRCh38, 1-based): chr1:241,497,849, C>A on the plus strand (G>T on the coding strand, the complement: FH is on the minus strand). VCF-style: chr1-241497849-C-A. GRCh37 (hg19) VCF-style: chr1-241661149-C-A.
Other names: short protein forms K504N.
Identifiers: ClinVar variation 3905096 (VCV003905096.10).

ClinVar aggregate classification (germline): Uncertain significance (1 of 4 stars; one submission).

Submission:

CeGaT Center for Human Genetics Tuebingen
Classification: Uncertain significance. Last evaluated: 2025-06-01. Review status: criteria provided, single submitter. Criteria: CeGaT Center For Human Genetics Tuebingen Variant Classification Criteria Version 2. Collection method: clinical testing. Allele origin: germline. Affected: yes. Observed: 1 variant allele.
Comment: FH: PM2